The following is an entry in ClinVar:

ClinVar aggregate classification (germline): Uncertain significance (1 of 4 stars; one submission).

Conditions:
Inborn genetic diseases. Identifiers: MedGen C0950123, MeSH D030342.

gnomAD v4.1: 2 of 1,613,946 alleles (0.00012%); highest among the groups gnomAD compares: Non-Finnish European, 0.00017%; no homozygotes.

Submission:

Ambry Genetics
Classification: Uncertain significance for Inborn genetic diseases. Last evaluated: 2025-09-01. Review status: criteria provided, single submitter. Criteria: Ambry Variant Classification Scheme 2023. Collection method: clinical testing. Allele origin: germline.
Comment: The p.I256S variant (also known as c.767T>G), located in coding exon 6 of the PAX5 gene, results from a T to G substitution at nucleotide position 767. The isoleucine at codon 256 is replaced by serine, an amino acid with dissimilar properties. This amino acid position is conserved. In addition, this alteration is predicted to be deleterious by in silico analysis. Based on the available evidence, the clinical significance of this variant remains unclear.

NM_016734.3(PAX5):c.767T>G (p.Ile256Ser)

Gene: PAX5 (paired box 5; minus strand). Cytogenetic location: 9p13.2.
Variant type: single nucleotide variant.
Coding change: c.767T>G on transcript NM_016734.3 (MANE Select); coding-DNA position 767, T replaced by G.
Protein change: p.Ile256Ser; replaces isoleucine 256 with serine.
Molecular consequence: missense variant. On other transcripts: non-coding transcript variant (2).
Genome position (GRCh38, 1-based): chr9:36,966,562, A>C on the plus strand (T>G on the coding strand, the complement: PAX5 is on the minus strand). VCF-style: chr9-36966562-A-C. GRCh37 (hg19) VCF-style: chr9-36966559-A-C.
Other names: c.767T>G, p.Ile256Ser (NM_001280547.2, NM_001280548.2, NM_001280549.2 and 2 more transcripts); c.443T>G, p.Ile148Ser (NM_001280551.2, NM_001280556.2); c.638T>G, p.Ile213Ser (NM_001280553.2, NM_001280554.2); c.569T>G, p.Ile190Ser (NM_001280555.2); short protein forms I190S, I148S, I213S, I256S.
Identifiers: ClinVar variation 4131439 (VCV004131439.1).